The following is an entry in ClinVar:

ClinVar aggregate classification (germline): Uncertain significance (1 of 4 stars; one submission).

Conditions:
Hereditary cancer-predisposing syndrome. Also called: Hereditary Cancer Syndrome; Tumor predisposition; Neoplastic Syndromes, Hereditary; Hereditary neoplastic syndrome. Identifiers: Orphanet 140162, MedGen C0027672, MeSH D009386, MONDO:0015356.

Submission:

Labcorp Genetics (formerly Invitae), Labcorp
Classification: Uncertain significance for Hereditary cancer-predisposing syndrome. Last evaluated: 2024-06-08. Review status: criteria provided, single submitter. Criteria: Invitae Variant Classification Sherloc (09022015). Collection method: clinical testing. Allele origin: germline.
Comment: This sequence change replaces isoleucine, which is neutral and non-polar, with lysine, which is basic and polar, at codon 761 of the RAD50 protein (p.Ile761Lys). This variant is not present in population databases (gnomAD no frequency). This variant has not been reported in the literature in individuals affected with RAD50-related conditions. Advanced modeling of protein sequence and biophysical properties (such as structural, functional, and spatial information, amino acid conservation, physicochemical variation, residue mobility, and thermodynamic stability) performed at Invitae indicates that this missense variant is not expected to disrupt RAD50 protein function with a negative predictive value of 80%. In summary, the available evidence is currently insufficient to determine the role of this variant in disease. Therefore, it has been classified as a Variant of Uncertain Significance.

NM_005732.4(RAD50):c.2282T>A (p.Ile761Lys)

Gene: RAD50 (RAD50 double strand break repair protein; plus strand). Cytogenetic location: 5q31.1.
Variant type: single nucleotide variant.
Coding change: c.2282T>A on transcript NM_005732.4 (MANE Select); coding-DNA position 2282, T replaced by A.
Protein change: p.Ile761Lys; replaces isoleucine 761 with lysine.
Molecular consequence: missense variant.
Genome position (GRCh38, 1-based): chr5:132,603,374, T>A. VCF-style: chr5-132603374-T-A. GRCh37 (hg19) VCF-style: chr5-131939066-T-A.
Other names: short protein forms I761K.
Identifiers: ClinVar variation 2729169 (VCV002729169.3), dbSNP rs2479664901, ClinGen allele CA360954303.